The following is an entry in ClinVar:

NM_000059.4(BRCA2):c.1016A>G (p.Asp339Gly)

Gene: BRCA2 (BRCA2 DNA repair associated; plus strand). Cytogenetic location: 13q13.1.
Variant type: single nucleotide variant.
Coding change: c.1016A>G on transcript NM_000059.4 (MANE Select); coding-DNA position 1016, A replaced by G.
Protein change: p.Asp339Gly; replaces aspartic acid 339 with glycine.
Molecular consequence: missense variant.
Genome position (GRCh38, 1-based): chr13:32,332,494, A>G. VCF-style: chr13-32332494-A-G. GRCh37 (hg19) VCF-style: chr13-32906631-A-G.
Other names: short protein forms D339G.
Identifiers: ClinVar variation 649451 (VCV000649451.13), dbSNP rs1244056899, ClinGen allele CA387761107.

ClinVar aggregate classification (germline): Conflicting classifications of pathogenicity. Review status: criteria provided, conflicting classifications (1 of 4 stars). 3 submissions from 3 submitters: Uncertain significance (2); Likely benign (1). Last evaluated 2024-08-08.

Conditions:
Hereditary cancer-predisposing syndrome. Also called: Neoplastic Syndromes, Hereditary; Tumor predisposition; Hereditary Cancer Syndrome; Hereditary neoplastic syndrome. Identifiers: Orphanet 140162, MedGen C0027672, MeSH D009386, MONDO:0015356.
Hereditary breast ovarian cancer syndrome. Also called: Breast and ovarian cancer; BRCA1- and BRCA2-Associated Hereditary Breast and Ovarian Cancer; Hereditary breast and ovarian cancer; Hereditary breast and ovarian cancer syndrome (HBOC); Hereditary breast and/or ovarian cancer syndrome; Hereditary breast and ovarian cancer syndrome. Identifiers: Orphanet 145, MedGen C0677776, MeSH D061325, MONDO:0003582. Disease mechanism: loss of function.

Submissions (3):

Ambry Genetics
Classification: Uncertain significance for Hereditary cancer-predisposing syndrome. Last evaluated: 2024-08-08. Review status: criteria provided, single submitter. Criteria: Ambry Variant Classification Scheme 2023. Collection method: clinical testing. Allele origin: germline.
Comment: The p.D339G variant (also known as c.1016A>G), located in coding exon 9 of the BRCA2 gene, results from an A to G substitution at nucleotide position 1016. The aspartic acid at codon 339 is replaced by glycine, an amino acid with similar properties. This amino acid position is poorly conserved in available vertebrate species. In addition, this alteration is predicted to be tolerated by in silico analysis. Based on the available evidence, the clinical significance of this variant remains unclear.

University of Washington Department of Laboratory Medicine, University of Washington
Classification: Likely benign for Hereditary cancer-predisposing syndrome. Last evaluated: 2023-03-23. Review status: criteria provided, single submitter. Criteria: Dines et al. (Genet Med. 2020). Collection method: curation. Allele origin: germline.
Comment: Missense variant in a coldspot region where missense variants are very unlikely to be pathogenic (PMID:31911673).

BRCA2 exon 10 coldspot. Reclassification based on statistical prior probability.

Labcorp Genetics (formerly Invitae), Labcorp
Classification: Uncertain significance for Hereditary breast ovarian cancer syndrome. Last evaluated: 2021-10-07. Review status: criteria provided, single submitter. Criteria: Invitae Variant Classification Sherloc (09022015). Collection method: clinical testing. Allele origin: germline.
Comment: Algorithms developed to predict the effect of sequence changes on RNA splicing suggest that this variant may create or strengthen a splice site. In summary, the available evidence is currently insufficient to determine the role of this variant in disease. Therefore, it has been classified as a Variant of Uncertain Significance. Algorithms developed to predict the effect of missense changes on protein structure and function output the following: SIFT: "Tolerated"; PolyPhen-2: "Benign"; Align-GVGD: "Class C0". The glycine amino acid residue is found in multiple mammalian species, which suggests that this missense change does not adversely affect protein function. This variant has not been reported in the literature in individuals affected with BRCA2-related conditions. This variant is not present in population databases (ExAC no frequency). This sequence change replaces aspartic acid with glycine at codon 339 of the BRCA2 protein (p.Asp339Gly). The aspartic acid residue is moderately conserved and there is a moderate physicochemical difference between aspartic acid and glycine.